The following is an entry in ClinVar:

NM_000368.5(TSC1):c.3408T>C (p.Asp1136=)

Gene: TSC1 (TSC complex subunit 1; minus strand). Cytogenetic location: 9q34.13.
Variant type: single nucleotide variant.
Coding change: c.3408T>C on transcript NM_000368.5 (MANE Select); coding-DNA position 3408, T replaced by C.
Protein change: p.Asp1136=; no amino-acid change (aspartic acid 1136 retained).
Molecular consequence: synonymous variant. On other transcripts: non-coding transcript variant (5).
Genome position (GRCh38, 1-based): chr9:132,896,322, A>G on the plus strand (T>C on the coding strand, the complement: TSC1 is on the minus strand). VCF-style: chr9-132896322-A-G. GRCh37 (hg19) VCF-style: chr9-135771709-A-G.
Other names: c.3405T>C, p.Asp1135= (NM_001162426.2, NM_001406597.1, NM_001406598.1 and 2 more transcripts); c.3255T>C, p.Asp1085= (NM_001162427.2, NM_001406610.1); c.3045T>C, p.Asp1015= (NM_001362177.2, NM_001406614.1, NM_001406615.1 and 4 more transcripts); c.3408T>C, p.Asp1136= (NM_001406592.1, NM_001406593.1, NM_001406594.1 and 2 more transcripts); c.3393T>C, p.Asp1131= (NM_001406601.1, NM_001406602.1); c.3390T>C, p.Asp1130= (NM_001406603.1, NM_001406604.1); c.3366T>C, p.Asp1122= (NM_001406605.1, NM_001406606.1, NM_001406607.1); c.3363T>C, p.Asp1121= (NM_001406608.1, NM_001406609.1); and 8 more.
Identifiers: ClinVar variation 4071040 (VCV004071040.1).

ClinVar aggregate classification (germline): Benign (1 of 4 stars; one submission).

Conditions:
Tuberous sclerosis 1 (TSC1). Identifiers: Orphanet 805, MedGen C1854465, MONDO:0008612, OMIM 191100.

Submission:

Myriad Genetics, Inc.
Classification: Benign for Tuberous sclerosis 1. Last evaluated: 2025-04-30. Review status: criteria provided, single submitter. Criteria: Myriad Autosomal Dominant, Autosomal Recessive and X-Linked Classification Criteria (2023). Collection method: clinical testing. Allele origin: unknown.
Comment: This variant is considered benign. This variant is a silent/synonymous amino acid change and it is not expected to impact splicing.